The following is an entry in ClinVar:

NM_004586.3(RPS6KA3):c.1657A>G (p.Asn553Asp)

Gene: RPS6KA3 (ribosomal protein S6 kinase A3; minus strand). Cytogenetic location: Xp22.12.
Variant type: single nucleotide variant.
Coding change: c.1657A>G on transcript NM_004586.3 (MANE Select); coding-DNA position 1657, A replaced by G.
Protein change: p.Asn553Asp; replaces asparagine 553 with aspartic acid.
Molecular consequence: missense variant.
Genome position (GRCh38, 1-based): chrX:20,165,006, T>C on the plus strand (A>G on the coding strand, the complement: RPS6KA3 is on the minus strand). VCF-style: chrX-20165006-T-C. GRCh37 (hg19) VCF-style: chrX-20183124-T-C.
Other names: c.1573A>G, p.Asn525Asp (NM_001438340.1); short protein forms N525D, N553D.
Identifiers: ClinVar variation 5020510 (VCV005020510.1).

ClinVar aggregate classification (germline): Uncertain significance (1 of 4 stars; one submission).

gnomAD v4.1: 1 of 1,204,476 alleles (0.000083%); highest among the groups gnomAD compares: South Asian, 0.0018%; no homozygotes.

Submission:

Dasa
Classification: Uncertain significance. Last evaluated: 2026-05-21. Review status: criteria provided, single submitter. Criteria: DASA Assertion Criteria. Collection method: clinical testing. Allele origin: germline.
Comment: NM_004586.3(RPS6KA3):c.1657A>G (p.Asn553Asp) is a missense variant that results in the substitution of asparagine with aspartic acid. This variant is rare in population databases. Computational prediction algorithms are consistent with a benign effect. The currently available literature and clinical evidence are not sufficient to establish a definitive association between this variant and the reported condition. Therefore, this variant is classified as a variant of uncertain significance.